The following is an entry in ClinVar:

ClinVar aggregate classification (germline): Uncertain significance. Review status: criteria provided, multiple submitters, no conflicts (2 of 4 stars). 3 submissions from 3 submitters: Uncertain significance (3). Last evaluated 2024-04-22.

Conditions:
Charcot-Marie-Tooth disease axonal type 2V. Also called: CHARCOT-MARIE-TOOTH NEUROPATHY, TYPE 2V; CHARCOT-MARIE-TOOTH DISEASE, AXONAL, AUTOSOMAL DOMINANT, TYPE 2V. Identifiers: Orphanet 447964, MedGen C5569050, MONDO:0014665, OMIM 616491.
Mucopolysaccharidosis, MPS-III-B (MPS3B). Also called: N-ACETYL-ALPHA-D-GLUCOSAMINIDASE DEFICIENCY; NAGLU DEFICIENCY; SANFILIPPO SYNDROME B; MPS III B; MUCOPOLYSACCHARIDOSIS, TYPE IIIB; Mucopolysaccharidosis type IIIB (Sanfilippo B). Identifiers: Orphanet 79270, MedGen C0086648, MONDO:0009656, OMIM 252920.

Allele frequency attached by ClinVar (database versions not stated): ExAC 0.00002; gnomAD 0.00005; ESP Exome Variant Server 0.00023; TOPMed 0.00006; gnomAD exomes 0.00010.

Submissions (3):

Mayo Clinic Laboratories, Mayo Clinic
Classification: Uncertain significance. Last evaluated: 2024-04-22. Review status: criteria provided, single submitter. Criteria: ACMG Guidelines, 2015. Collection method: clinical testing. Allele origin: germline. Observed: 1 variant allele.

Revvity Omics, Revvity
Classification: Uncertain significance. Last evaluated: 2022-09-13. Review status: criteria provided, single submitter. Criteria: ACMG Guidelines, 2015. Collection method: clinical testing. Allele origin: germline.

Labcorp Genetics (formerly Invitae), Labcorp
Classification: Uncertain significance for Charcot-Marie-Tooth disease axonal type 2V; Mucopolysaccharidosis, MPS-III-B. Last evaluated: 2022-09-07. Review status: criteria provided, single submitter. Criteria: Invitae Variant Classification Sherloc (09022015). Collection method: clinical testing. Allele origin: germline.
Comment: This sequence change replaces isoleucine, which is neutral and non-polar, with threonine, which is neutral and polar, at codon 300 of the NAGLU protein (p.Ile300Thr). This variant is present in population databases (rs371351618, gnomAD 0.008%). This variant has not been reported in the literature in individuals affected with NAGLU-related conditions. Advanced modeling of protein sequence and biophysical properties (such as structural, functional, and spatial information, amino acid conservation, physicochemical variation, residue mobility, and thermodynamic stability) performed at Invitae indicates that this missense variant is not expected to disrupt NAGLU protein function. In summary, the available evidence is currently insufficient to determine the role of this variant in disease. Therefore, it has been classified as a Variant of Uncertain Significance.

NM_000263.4(NAGLU):c.899T>C (p.Ile300Thr)

Gene: NAGLU (N-acetyl-alpha-glucosaminidase; plus strand). Cytogenetic location: 17q21.2.
Variant type: single nucleotide variant.
Coding change: c.899T>C on transcript NM_000263.4 (MANE Select); coding-DNA position 899, T replaced by C.
Protein change: p.Ile300Thr; replaces isoleucine 300 with threonine.
Molecular consequence: missense variant.
Genome position (GRCh38, 1-based): chr17:42,541,084, T>C. VCF-style: chr17-42541084-T-C. GRCh37 (hg19) VCF-style: chr17-40693102-T-C.
Other names: p.Ile300Thr; short protein forms I300T.
Identifiers: ClinVar variation 2196826 (VCV002196826.5), dbSNP rs371351618, ClinGen allele CA8576898.